The following is an entry in ClinVar:

ClinVar aggregate classification (germline): Benign (0 of 4 stars; one submission).

Conditions:
PCDHA9-related disorder. Also called: PCDHA9-related condition.

Allele frequency attached by ClinVar (database versions not stated): 1000 Genomes Project 30x 0.00250.
gnomAD v4.1: 784 of 1,598,368 alleles (0.049%); highest among the groups gnomAD compares: African/African-American, 0.93%; 43 homozygotes.

Submission:

PreventionGenetics, part of Exact Sciences
Classification: Benign for PCDHA9-related condition. Last evaluated: 2021-04-12. Review status: no assertion criteria provided. Collection method: clinical testing. Allele origin: germline.
Comment: This variant is classified as benign based on ACMG/AMP sequence variant interpretation guidelines (Richards et al. 2015 PMID: 25741868, with internal and published modifications).

NM_031857.2(PCDHA9):c.1356A>T (p.Ala452=)

Genes: PCDHA1 (protocadherin alpha 1; plus strand), PCDHA2 (protocadherin alpha 2; plus strand), PCDHA3 (protocadherin alpha 3; plus strand), PCDHA4 (protocadherin alpha 4; plus strand), PCDHA5 (protocadherin alpha 5; plus strand) and 5 more. Cytogenetic location: 5q31.3.
Variant type: single nucleotide variant.
Coding change: c.1356A>T on transcript NM_031857.2 (MANE Select); coding-DNA position 1356, A replaced by T.
Protein change: p.Ala452=; no amino-acid change (alanine 452 retained).
Molecular consequence: synonymous variant. On other transcripts: intron variant (10).
Genome position (GRCh38, 1-based): chr5:140,849,851, A>T. VCF-style: chr5-140849851-A-T. GRCh37 (hg19) VCF-style: chr5-140229436-A-T.
Other names: c.1356A>T, p.Ala452= (NM_014005.5); c.2394+61167A>T (NM_018900.4); c.1602+61959A>T (NM_031411.3); c.2388+52499A>T (NM_018905.3); c.2394+46260A>T (NM_018906.3); c.2385+40279A>T (NM_018907.4); c.2352+25724A>T (NM_018908.3); c.2394+19366A>T (NM_018909.4); and 3 more.
Identifiers: ClinVar variation 3045647 (VCV003045647.2), dbSNP rs148732691, ClinGen allele CA3450440.